The following is an entry in ClinVar:

ClinVar aggregate classification (germline): Uncertain significance (1 of 4 stars; one submission).

Conditions:
MYPN-related disorder. Also called: MYPN-related condition.

Submission:

PreventionGenetics, part of Exact Sciences
Classification: Uncertain significance for MYPN-related condition. Last evaluated: 2026-08-31. Review status: criteria provided, single submitter. Criteria: ACMG Guidelines, 2015. Collection method: clinical testing. Allele origin: germline.
Comment: The MYPN c.2212_2213delinsTT variant is predicted to result in an in-frame deletion and insertion. To our knowledge, this variant has not been reported in the literature or in a large population database (gnomAD), indicating this variant is rare. At this time, the clinical significance of this variant is uncertain due to the absence of conclusive functional and genetic evidence.

NM_032578.4(MYPN):c.2212_2213delinsTT (p.Ala738Phe)

Gene: MYPN (myopalladin; plus strand). Cytogenetic location: 10q21.3.
Variant type: Indel.
Coding change: c.2212_2213delinsTT on transcript NM_032578.4 (MANE Select); coding-DNA positions 2212 to 2213, GC replaced by TT.
Protein change: p.Ala738Phe; replaces alanine 738 with phenylalanine.
Molecular consequence: missense variant. On other transcripts: non-coding transcript variant (2).
Genome position (GRCh38, 1-based): chr10:68,174,304-68,174,305, GC replaced by TT. VCF-style: chr10-68174304-GC-TT. GRCh37 (hg19) VCF-style: chr10-69934061-GC-TT.
Other names: c.2212_2213delinsTT, p.Ala738Phe (NM_001256267.2); c.1330_1331delinsTT, p.Ala444Phe (NM_001256268.2); c.2212_2213delGCinsTT, p.Ala738Phe (NM_032578.3); short protein forms A444F, A738F.
Identifiers: ClinVar variation 4988221 (VCV004988221.1).